The following is an entry in ClinVar:

NM_001267550.2(TTN):c.90914dup (p.Tyr30305Ter)

Genes: TTN-AS1 (TTN antisense RNA 1; plus strand), TTN (titin; minus strand). Cytogenetic location: 2q31.2.
Variant type: Duplication.
Coding change: c.90914dup on transcript NM_001267550.2 (MANE Select); coding-DNA position 90914, one base duplicated (A; older notation c.90914dupA).
Protein change: p.Tyr30305Ter; replaces tyrosine 30305 with a stop codon.
Molecular consequence: nonsense.
Genome position (GRCh38, 1-based): chr2:178,551,986, T duplicated on the plus strand (A on the coding strand, the reverse complement: TTN is on the minus strand). VCF-style (leftmost placement, unchanged base first): chr2-178551985-G-GT. GRCh37 (hg19) VCF-style: chr2-179416712-G-GT.
Other names: c.85991dup, p.Tyr28664Ter (NM_001256850.1); c.63719dup, p.Tyr21240Ter (NM_003319.4); c.83210dup, p.Tyr27737Ter (NM_133378.4); c.64094dup, p.Tyr21365Ter (NM_133432.3); c.64295dup, p.Tyr21432Ter (NM_133437.4); short protein forms Y21365*, Y21432*, Y21240*, Y28664*, Y27737*, Y30305*.
Identifiers: ClinVar variation 2949078 (VCV002949078.3), dbSNP rs2469273750, ClinGen allele CA2740095991.

ClinVar aggregate classification (germline): Likely pathogenic (1 of 4 stars; one submission).

Conditions:
Dilated cardiomyopathy 1G (CMD1G). Identifiers: Orphanet 154, MedGen C1858763, MONDO:0011400, OMIM 604145.
Autosomal recessive limb-girdle muscular dystrophy type 2J (LGMDR10). Also called: Limb-girdle muscular dystrophy, type 2J; MUSCULAR DYSTROPHY, LIMB-GIRDLE, AUTOSOMAL RECESSIVE 10. Identifiers: Orphanet 140922, MedGen C1837342, MONDO:0012127, OMIM 608807.

Submission:

Labcorp Genetics (formerly Invitae), Labcorp
Classification: Likely pathogenic for Dilated cardiomyopathy 1G; Autosomal recessive limb-girdle muscular dystrophy type 2J. Last evaluated: 2024-03-05. Review status: criteria provided, single submitter. Criteria: Invitae Variant Classification Sherloc (09022015). Collection method: clinical testing. Allele origin: germline.
Comment: This sequence change creates a premature translational stop signal (p.Tyr30305*) in the TTN gene. While this is not anticipated to result in nonsense mediated decay, it is expected to create a truncated TTN protein. This variant is not present in population databases (gnomAD no frequency). This variant has not been reported in the literature in individuals affected with TTN-related conditions. This variant is located in the A band of TTN (PMID: 25589632). Truncating variants in this region are significantly overrepresented in patients affected with dilated cardiomyopathy (PMID: 25589632). Truncating variants in this region have also been reported in individuals affected with autosomal recessive centronuclear myopathy (PMID: 23975875). In summary, the currently available evidence indicates that the variant is pathogenic, but additional data are needed to prove that conclusively. Therefore, this variant has been classified as Likely Pathogenic.

Literature cited by the submitters: PubMed 25589632; PubMed 23975875.